The following is an entry in ClinVar:

NM_001291303.3(FAT4):c.1485T>C (p.Ser495=)

Gene: FAT4 (FAT atypical cadherin 4; plus strand). Cytogenetic location: 4q28.1.
Variant type: single nucleotide variant.
Coding change: c.1485T>C on transcript NM_001291303.3 (MANE Select); coding-DNA position 1485, T replaced by C.
Protein change: p.Ser495=; no amino-acid change (serine 495 retained).
Molecular consequence: synonymous variant.
Genome position (GRCh38, 1-based): chr4:125,317,896, T>C. VCF-style: chr4-125317896-T-C. GRCh37 (hg19) VCF-style: chr4-126239051-T-C.
Other names: c.1485T>C, p.Ser495= (NM_001291285.3, NM_024582.6).
Identifiers: ClinVar variation 1672658 (VCV001672658.35), dbSNP rs370574664, ClinGen allele CA3072000.

ClinVar aggregate classification (germline): Likely benign. Review status: criteria provided, multiple submitters, no conflicts (2 of 4 stars). 2 submissions from 2 submitters: Likely benign (2). Last evaluated 2025-06-16.

Allele frequency attached by ClinVar (database versions not stated): gnomAD exomes below 0.00001 and 0.00001; ExAC 0.00001; gnomAD 0.00001; TOPMed 0.00001; ESP Exome Variant Server 0.00008.
gnomAD v4.1: 8 of 1,613,852 alleles (0.0005%); highest among the groups gnomAD compares: Non-Finnish European, 0.00068%; no homozygotes.

Submissions (2):

Labcorp Genetics (formerly Invitae), Labcorp
Classification: Likely benign. Last evaluated: 2025-06-16. Review status: criteria provided, single submitter. Criteria: Invitae Variant Classification Sherloc (09022015). Collection method: clinical testing. Allele origin: germline.

CeGaT Center for Human Genetics Tuebingen
Classification: Likely benign. Last evaluated: 2023-06-01. Review status: criteria provided, single submitter. Criteria: CeGaT Center For Human Genetics Tuebingen Variant Classification Criteria Version 2. Collection method: clinical testing. Allele origin: germline. Affected: yes. Observed: 1 variant allele.
Comment: FAT4: BP4, BP7